The following is an entry in ClinVar:

ClinVar aggregate classification (germline): Uncertain significance (1 of 4 stars; one submission).

Submission:

GeneDx
Classification: Uncertain significance. Last evaluated: 2025-06-10. Review status: criteria provided, single submitter. Criteria: GeneDx Variant Classification Process June 2021. Collection method: clinical testing. Allele origin: germline. Affected: yes.
Comment: Not observed at significant frequency in large population cohorts (gnomAD); In silico analysis suggests that this missense variant does not alter protein structure/function; This substitution is predicted to be within the extracellular loop between the S5 and S6 transmembrane segments of the third homologous domain; Has not been previously published as pathogenic or benign to our knowledge

NM_001165963.4(SCN1A):c.4226A>G (p.Lys1409Arg)

Genes: SCN1A (sodium voltage-gated channel alpha subunit 1; minus strand), LOC102724058 (uncharacterized LOC102724058; plus strand). Cytogenetic location: 2q24.3.
Variant type: single nucleotide variant.
Coding change: c.4226A>G on transcript NM_001165963.4 (MANE Select); coding-DNA position 4226, A replaced by G.
Protein change: p.Lys1409Arg; replaces lysine 1409 with arginine.
Molecular consequence: missense variant. On other transcripts: non-coding transcript variant (1).
Genome position (GRCh38, 1-based): chr2:166,002,530, T>C on the plus strand (A>G on the coding strand, the complement: SCN1A is on the minus strand). VCF-style: chr2-166002530-T-C. GRCh37 (hg19) VCF-style: chr2-166859040-T-C.
Other names: c.4142A>G, p.Lys1381Arg (NM_001165964.3, NM_001353957.2, NM_001353958.2); c.4226A>G, p.Lys1409Arg (NM_001202435.3, NM_001353948.2); c.4193A>G, p.Lys1398Arg (NM_001353949.2, NM_001353950.2, NM_001353951.2 and 2 more transcripts); c.4190A>G, p.Lys1397Arg (NM_001353954.2, NM_001353955.2); c.4139A>G, p.Lys1380Arg (NM_001353960.2); c.1784A>G, p.Lys595Arg (NM_001353961.2); short protein forms K1380R, K1381R, K1397R, K1398R, K1409R, K595R.
Identifiers: ClinVar variation 4537933 (VCV004537933.1).